The following is an entry in ClinVar:

NM_001360.3(DHCR7):c.501G>C (p.Trp167Cys)

Gene: DHCR7 (7-dehydrocholesterol reductase; minus strand). Cytogenetic location: 11q13.4.
Variant type: single nucleotide variant.
Coding change: c.501G>C on transcript NM_001360.3 (MANE Select); coding-DNA position 501, G replaced by C.
Protein change: p.Trp167Cys; replaces tryptophan 167 with cysteine.
Molecular consequence: missense variant.
Genome position (GRCh38, 1-based): chr11:71,441,352, C>G on the plus strand (G>C on the coding strand, the complement: DHCR7 is on the minus strand). VCF-style: chr11-71441352-C-G. GRCh37 (hg19) VCF-style: chr11-71152398-C-G.
Other names: c.501G>C, p.Trp167Cys (NM_001163817.2); short protein forms W167C.
Identifiers: ClinVar variation 1744824 (VCV001744824.2), dbSNP rs1427321619, ClinGen allele CA381694549.

ClinVar aggregate classification (germline): Uncertain significance (1 of 4 stars; one submission).

Conditions:
Inborn genetic diseases. Identifiers: MedGen C0950123, MeSH D030342.

gnomAD v4.1: 9 of 1,614,082 alleles (0.00056%); highest among the groups gnomAD compares: Middle Eastern, 0.016%; no homozygotes.

Submission:

Ambry Genetics
Classification: Uncertain significance for Inborn genetic diseases. Last evaluated: 2018-12-11. Review status: criteria provided, single submitter. Criteria: Ambry Variant Classification Scheme 2023. Collection method: clinical testing. Allele origin: germline.
Comment: The p.W167C variant (also known as c.501G>C), located in coding exon 4 of the DHCR7 gene, results from a G to C substitution at nucleotide position 501. The tryptophan at codon 167 is replaced by cysteine, an amino acid with highly dissimilar properties. This amino acid position is not well conserved in available vertebrate species. In addition, the in silico prediction for this alteration is inconclusive. Since supporting evidence is limited at this time, the clinical significance of this alteration remains unclear.